The following is an entry in ClinVar:

NM_001987.5(ETV6):c.452A>T (p.Asn151Ile)

Gene: ETV6 (ETS variant transcription factor 6; plus strand). Cytogenetic location: 12p13.2.
Variant type: single nucleotide variant.
Coding change: c.452A>T on transcript NM_001987.5 (MANE Select); coding-DNA position 452, A replaced by T.
Protein change: p.Asn151Ile; replaces asparagine 151 with isoleucine.
Molecular consequence: missense variant.
Genome position (GRCh38, 1-based): chr12:11,853,550, A>T. VCF-style: chr12-11853550-A-T. GRCh37 (hg19) VCF-style: chr12-12006484-A-T.
Other names: c.449A>T, p.Asn150Ile (NM_001413913.1); c.425A>T, p.Asn142Ile (NM_001413914.1); c.188A>T, p.Asn63Ile (NM_001413915.1); c.452A>T, p.Asn151Ile (NM_001413916.1, NM_001413917.1); short protein forms N142I, N150I, N151I, N63I.
Identifiers: ClinVar variation 3343581 (VCV003343581.3).
Genomic context (GRCh38, chr12:11,853,550, plus strand): 5'-CACCATTCTTCCACCCTGGAAACTCTATACACACACAGCCGGAGGTCATACTGCATCAGA[A>T]CCATGAAGAAGGTACTGGAAGAGGTTTCTCTTTTCTTGCCTGAGGTTTAGACAAATCCAG-3'
Protein context (NP_001978.1, residues 141-161): HTQPEVILHQ[Asn151Ile]HEEDNCVQRT

ClinVar aggregate classification (germline): Uncertain significance. Review status: criteria provided, multiple submitters, no conflicts (2 of 4 stars). 2 submissions from 2 submitters: Uncertain significance (2). Last evaluated 2026-01-21.

Conditions:
Inborn genetic diseases. Identifiers: MedGen C0950123, MeSH D030342.

gnomAD v4.1: 3 of 1,614,270 alleles (0.00019%); highest among the groups gnomAD compares: Non-Finnish European, 0.00025%; no homozygotes.

Submissions (2):

Ambry Genetics
Classification: Uncertain significance for Inborn genetic diseases. Last evaluated: 2026-01-21. Review status: criteria provided, single submitter. Criteria: Ambry Variant Classification Scheme 2023. Collection method: clinical testing. Allele origin: germline.

GeneDx
Classification: Uncertain significance. Last evaluated: 2024-03-10. Review status: criteria provided, single submitter. Criteria: GeneDx Variant Classification Process June 2021. Collection method: clinical testing. Allele origin: germline. Affected: yes.
Comment: Not observed at significant frequency in large population cohorts (gnomAD); In silico analysis supports that this missense variant does not alter protein structure/function; Has not been previously published as pathogenic or benign to our knowledge; This variant is associated with the following publications: (PMID: 28555414, 28637624)